The following is an entry in ClinVar:

ClinVar aggregate classification (germline): Likely pathogenic. Review status: criteria provided, multiple submitters, no conflicts (2 of 4 stars). 2 submissions from 2 submitters: Likely pathogenic (2). Last evaluated 2025-11-11.

Conditions:
Neurodevelopmental disorder with hypotonia, brain anomalies, distinctive facies, and absent language. Also called: RNU4-2-Related Neurodevelopmental Disorder; RNU4-2–Related Autosomal Dominant Neurodevelopmental Disorder; ReNU SYNDROME. Identifiers: Orphanet 686488, MedGen C5935628, MONDO:0971172, OMIM 620851.

Submissions (2):

Clinical Genetics Laboratory, University Hospital Schleswig-Holstein
Classification: Likely pathogenic for Neurodevelopmental disorder with hypotonia, brain anomalies, distinctive facies, and absent language. Last evaluated: 2025-11-11. Review status: criteria provided, single submitter. Criteria: ACMG Guidelines, 2015. Collection method: clinical testing. Allele origin: de novo. Affected: yes. Observed: 1 heterozygote.
Comment: ACMG criteria applied: PM2, PS4_Supporting, PM1, PS3_Supporting, PS2_ Supporting

Institute for Human Genetics, University Hospital Essen
Classification: Likely pathogenic for Neurodevelopmental disorder with hypotonia, brain anomalies, distinctive facies, and absent language. Last evaluated: 2005-03-05. Review status: criteria provided, single submitter. Criteria: ACMG Guidelines, 2015. Collection method: clinical testing. Allele origin: de novo. Inheritance: Autosomal dominant inheritance. Affected: yes.
Comment: PM2_supp, PS2, PS3

NR_003137.3(RNU4-2):n.68A>C

Genes: SIRT4 (sirtuin 4; plus strand), RNU4-2 (RNA, U4 small nuclear 2; minus strand). Cytogenetic location: 12q24.23.
Variant type: single nucleotide variant.
Molecular consequence: non-coding transcript variant (on NR_003137.3).
Genome position: GRCh38 VCF-style: chr12-120291836-T-G. GRCh37 (hg19) VCF-style: chr12-120729639-T-G.
Identifiers: ClinVar variation 3766420 (VCV003766420.2).
Genomic context (GRCh38, chr12:120,291,836, plus strand): 5'-TGTCAAAAATTGCCAATGCCGACTATATTTCAAGTCGTCATGGCGGGGTATTGGGAAAAG[T>G]TTTCAATTAGCAATAATCGCGCCTCGGATAAACCTCATTGGCTACGATACTGCCACTGCG-3'